The following is an entry in ClinVar:

NM_032444.4(SLX4):c.2023G>C (p.Gly675Arg)

Gene: SLX4 (SLX4 structure-specific endonuclease subunit; minus strand). Cytogenetic location: 16p13.3.
Variant type: single nucleotide variant.
Coding change: c.2023G>C on transcript NM_032444.4 (MANE Select); coding-DNA position 2023, G replaced by C.
Protein change: p.Gly675Arg; replaces glycine 675 with arginine.
Molecular consequence: missense variant.
Genome position (GRCh38, 1-based): chr16:3,594,590, C>G on the plus strand (G>C on the coding strand, the complement: SLX4 is on the minus strand). VCF-style: chr16-3594590-C-G. GRCh37 (hg19) VCF-style: chr16-3644591-C-G.
Other names: c.2023G>C (LRG_503t1); short protein forms G675R.
Identifiers: ClinVar variation 456294 (VCV000456294.5), dbSNP rs767473953, ClinGen allele CA276961556.

ClinVar aggregate classification (germline): Uncertain significance. Review status: criteria provided, multiple submitters, no conflicts (2 of 4 stars). 2 submissions from 2 submitters: Uncertain significance (2). Last evaluated 2022-01-13.

Conditions:
Fanconi anemia (FA). Also called: Fanconi's anemia. Identifiers: Orphanet 84, MedGen C0015625, MeSH D005199, MONDO:0019391.
Fanconi anemia complementation group P. Also called: SLX4-Related Fanconi Anemia. Identifiers: Orphanet 84, MedGen C3469542, MONDO:0013499, OMIM 613951.

Allele frequency attached by ClinVar (database versions not stated): TOPMed 0.00001.
gnomAD v4.1: 1 of 1,614,050 alleles (0.000062%); highest among the groups gnomAD compares: Admixed American, 0.0017%; no homozygotes.

Submissions (2):

Fulgent Genetics
Classification: Uncertain significance for Fanconi anemia complementation group P. Last evaluated: 2022-01-13. Review status: criteria provided, single submitter. Criteria: ACMG Guidelines, 2015. Collection method: clinical testing. Allele origin: unknown.

Labcorp Genetics (formerly Invitae), Labcorp
Classification: Uncertain significance for Fanconi anemia. Last evaluated: 2021-09-15. Review status: criteria provided, single submitter. Criteria: Invitae Variant Classification Sherloc (09022015). Collection method: clinical testing. Allele origin: germline.
Comment: This sequence change replaces glycine with arginine at codon 675 of the SLX4 protein (p.Gly675Arg). The glycine residue is moderately conserved and there is a moderate physicochemical difference between glycine and arginine. This variant is not present in population databases (ExAC no frequency). This variant has not been reported in the literature in individuals affected with SLX4-related conditions. Algorithms developed to predict the effect of missense changes on protein structure and function output the following: SIFT: "Tolerated"; PolyPhen-2: "Benign"; Align-GVGD: "Class C0". The arginine amino acid residue is found in multiple mammalian species, which suggests that this missense change does not adversely affect protein function. In summary, the available evidence is currently insufficient to determine the role of this variant in disease. Therefore, it has been classified as a Variant of Uncertain Significance.